The following is an entry in ClinVar:

NM_001098484.3(SLC4A4):c.*1206A>G

Gene: SLC4A4 (solute carrier family 4 member 4; plus strand). Cytogenetic location: 4q13.3.
Variant type: single nucleotide variant.
Coding change: c.*1206A>G on transcript NM_001098484.3 (MANE Select); 1206 bases downstream of the stop codon, A replaced by G.
Molecular consequence: 3 prime UTR variant.
Genome position (GRCh38, 1-based): chr4:71,568,957, A>G. VCF-style: chr4-71568957-A-G. GRCh37 (hg19) VCF-style: chr4-72434674-A-G.
Other names: c.*1064A>G (NM_001134742.2); c.*1206A>G (NM_003759.4).
Identifiers: ClinVar variation 349577 (VCV000349577.5), dbSNP rs72854469, ClinGen allele CA10621670.

ClinVar aggregate classification (germline): Benign (1 of 4 stars; one submission).

Conditions:
Autosomal recessive proximal renal tubular acidosis (PRTAO). Also called: RTA, PROXIMAL, AUTOSOMAL RECESSIVE; RENAL TUBULAR ACIDOSIS, PROXIMAL, WITH OCULAR ABNORMALITIES AND MENTAL RETARDATION; RENAL TUBULAR ACIDOSIS, PROXIMAL, WITH OCULAR ABNORMALITIES AND IMPAIRED INTELLECTUAL DEVELOPMENT; PROXIMAL RENAL TUBULAR ACIDOSIS-OCULAR ANOMALY SYNDROME. Identifiers: Orphanet 93607, MedGen C1970309, MONDO:0011422, OMIM 604278.

Allele frequency attached by ClinVar (database versions not stated): gnomAD 0.00783 and 0.00833; 1000 Genomes Project 30x 0.00812; 1000 Genomes Project 0.00819; TOPMed 0.00890.

Submission:

Illumina Laboratory Services, Illumina
Classification: Benign for Autosomal recessive proximal renal tubular acidosis. Last evaluated: 2018-01-13. Review status: criteria provided, single submitter. Criteria: ICSL Variant Classification Criteria 13 December 2019. Collection method: clinical testing. Allele origin: germline.
Comment: This variant was observed in the ICSL laboratory as part of a predisposition screen in an ostensibly healthy population. It had not been previously curated by ICSL or reported in the Human Gene Mutation Database (HGMD: prior to June 1st, 2018), and was therefore a candidate for classification through an automated scoring system. Utilizing variant allele frequency, disease prevalence and penetrance estimates, and inheritance mode, an automated score was calculated to assess if this variant is too frequent to cause the disease. Based on the score and internal cut-off values, a variant classified as benign is not then subjected to further curation. The score for this variant resulted in a classification of benign for this disease.